The following is an entry in ClinVar:

NM_003482.4(KMT2D):c.2320C>T (p.Pro774Ser)

Gene: KMT2D (lysine methyltransferase 2D; minus strand). Cytogenetic location: 12q13.12.
Variant type: single nucleotide variant.
Coding change: c.2320C>T on transcript NM_003482.4 (MANE Select); coding-DNA position 2320, C replaced by T.
Protein change: p.Pro774Ser; replaces proline 774 with serine.
Molecular consequence: missense variant.
Genome position (GRCh38, 1-based): chr12:49,051,363, G>A on the plus strand (C>T on the coding strand, the complement: KMT2D is on the minus strand). VCF-style: chr12-49051363-G-A. GRCh37 (hg19) VCF-style: chr12-49445146-G-A.
Other names: short protein forms P774S.
Identifiers: ClinVar variation 1519191 (VCV001519191.6), dbSNP rs1385773562, ClinGen allele CA384666573.

ClinVar aggregate classification (germline): Uncertain significance (1 of 4 stars; one submission).

Conditions:
Kabuki syndrome. Also called: NIIKAWA-KUROKI SYNDROME; Kabuki make-up syndrome. Identifiers: Orphanet 2322, MedGen C0796004, MONDO:0016512.

Submission:

Labcorp Genetics (formerly Invitae), Labcorp
Classification: Uncertain significance for Kabuki syndrome. Last evaluated: 2023-04-24. Review status: criteria provided, single submitter. Criteria: Invitae Variant Classification Sherloc (09022015). Collection method: clinical testing. Allele origin: germline.
Comment: ClinVar contains an entry for this variant (Variation ID: 1519191). This sequence change replaces proline, which is neutral and non-polar, with serine, which is neutral and polar, at codon 774 of the KMT2D protein (p.Pro774Ser). This variant is not present in population databases (gnomAD no frequency). This variant has not been reported in the literature in individuals affected with KMT2D-related conditions. Advanced modeling of protein sequence and biophysical properties (such as structural, functional, and spatial information, amino acid conservation, physicochemical variation, residue mobility, and thermodynamic stability) performed at Invitae indicates that this missense variant is not expected to disrupt KMT2D protein function. In summary, the available evidence is currently insufficient to determine the role of this variant in disease. Therefore, it has been classified as a Variant of Uncertain Significance.